The following is an entry in ClinVar:

ClinVar aggregate classification (germline): Uncertain significance (1 of 4 stars; one submission).

gnomAD v4.1: 1 of 1,552,304 alleles (0.000064%); highest among the groups gnomAD compares: Admixed American, 0.002%; no homozygotes.

Submission:

Labcorp Genetics (formerly Invitae), Labcorp
Classification: Uncertain significance. Last evaluated: 2022-06-27. Review status: criteria provided, single submitter. Criteria: Invitae Variant Classification Sherloc (09022015). Collection method: clinical testing. Allele origin: germline.
Comment: This sequence change replaces isoleucine, which is neutral and non-polar, with methionine, which is neutral and non-polar, at codon 1845 of the LOXHD1 protein (p.Ile1845Met). In summary, the available evidence is currently insufficient to determine the role of this variant in disease. Therefore, it has been classified as a Variant of Uncertain Significance. Algorithms developed to predict the effect of missense changes on protein structure and function are either unavailable or do not agree on the potential impact of this missense change (SIFT: "Deleterious"; PolyPhen-2: "Probably Damaging"; Align-GVGD: "Class C0"). This variant has not been reported in the literature in individuals affected with LOXHD1-related conditions. This variant is not present in population databases (gnomAD no frequency).

NM_001384474.1(LOXHD1):c.5721C>G (p.Ile1907Met)

Gene: LOXHD1 (lipoxygenase homology PLAT domains 1; minus strand). Cytogenetic location: 18q21.1.
Variant type: single nucleotide variant.
Coding change: c.5721C>G on transcript NM_001384474.1 (MANE Select); coding-DNA position 5721, C replaced by G.
Protein change: p.Ile1907Met; replaces isoleucine 1907 with methionine.
Molecular consequence: missense variant.
Genome position (GRCh38, 1-based): chr18:46,505,995, G>C on the plus strand (C>G on the coding strand, the complement: LOXHD1 is on the minus strand). VCF-style: chr18-46505995-G-C. GRCh37 (hg19) VCF-style: chr18-44085958-G-C.
Other names: c.2388C>G, p.Ile796Met (NM_001145472.3); c.438C>G, p.Ile146Met (NM_001145473.3, NM_001173129.2); c.2100C>G, p.Ile700Met (NM_001308013.2); c.5535C>G, p.Ile1845Met (NM_144612.7); short protein forms I146M, I700M, I1845M, I1907M, I796M.
Identifiers: ClinVar variation 2039265 (VCV002039265.4), dbSNP rs1469127142, ClinGen allele CA402367854.